The following is an entry in ClinVar:

NM_005654.6(NR2F1):c.92GCG[7] (p.Gly36dup)

Genes: NR2F1 (nuclear receptor subfamily 2 group F member 1; plus strand), NR2F1-AS1 (NR2F1 regulatory antisense RNA 1; minus strand). Cytogenetic location: 5q15.
Variant type: Microsatellite.
Coding change: c.92GCG[7] on transcript NM_005654.6 (MANE Select); seven copies in a row of the 3-base unit GCG starting at c.92; the reference has six copies in a row; one copy, 3 bases duplicated.
Protein change: p.Gly36dup; duplicates glycine 36.
Molecular consequence: inframe insertion.
Genome position (GRCh38, 1-based): chr5:93,585,130-93,585,132, GCG duplicated; duplicating any 3 consecutive bases within chr5:93,585,115-93,585,132 gives the same sequence; the position shown is the placement nearest the transcript's 3' end. VCF-style (leftmost placement, unchanged base first): chr5-93585114-C-CGCG. GRCh37 (hg19) VCF-style: chr5-92920820-C-CGCG.
Other names: c.107_109dupGCG (NM_005654.4).
Identifiers: ClinVar variation 546462 (VCV000546462.10), dbSNP rs954495672, ClinGen allele CA123266246.
Genomic context (GRCh38, chr5:93,585,114, plus strand): 5'-CCGCAGGACGACGTGGCCGGGGGCAACCCCGGCGGCCCCAACCCCGCAGCGCAGGCGGCC[C>CGCG]GCGGCGGCGGCGGCGGCGCCGGCGAGCAGCAGCAGCAGGCGGGCTCGGGCGCGCCGCACA-3'

ClinVar aggregate classification (germline): Conflicting classifications of pathogenicity. Review status: criteria provided, conflicting classifications (1 of 4 stars). 2 submissions from 2 submitters: Uncertain significance (1); Likely benign (1). Last evaluated 2025-08-12.

Submissions (2):

Labcorp Genetics (formerly Invitae), Labcorp
Classification: Uncertain significance. Last evaluated: 2025-08-12. Review status: criteria provided, single submitter. Criteria: Invitae Variant Classification Sherloc (09022015). Collection method: clinical testing. Allele origin: germline.
Comment: This variant, c.107_109dup, results in the insertion of 1 amino acid(s) of the NR2F1 protein (p.Gly36dup), but otherwise preserves the integrity of the reading frame. This variant is present in population databases (no rsID available, gnomAD 0.06%). This variant has not been reported in the literature in individuals affected with NR2F1-related conditions. Experimental studies and prediction algorithms are not available or were not evaluated, and the functional significance of this variant is currently unknown. In summary, the available evidence is currently insufficient to determine the role of this variant in disease. Therefore, it has been classified as a Variant of Uncertain Significance.

GeneDx
Classification: Likely benign. Last evaluated: 2021-09-28. Review status: criteria provided, single submitter. Criteria: GeneDx Variant Classification Process June 2021. Collection method: clinical testing. Allele origin: germline. Affected: yes.
Comment: In-frame deletion of 1 amino acid in a non-repeat region; Has not been previously published as pathogenic or benign to our knowledge